The following is an entry in ClinVar:

NM_014208.3(DSPP):c.3024CAGCAGTGA[1] (p.1005DSS[3])

Genes: DMP1-AS1 (DMP1 and DSPP antisense RNA 1; minus strand), DSPP (dentin sialophosphoprotein; plus strand). Cytogenetic location: 4q22.1.
Variant type: Microsatellite.
Coding change: c.3024CAGCAGTGA[1] on transcript NM_014208.3 (MANE Select); one copy of the 9-base unit CAGCAGTGA starting at c.3024; the reference has two copies in a row; one copy, 9 bases deleted.
Protein change: p.1005DSS[3].
Molecular consequence: inframe deletion.
Genome position (GRCh38, 1-based): chr4:87,615,695-87,615,703, CAGCAGTGA deleted; deleting any 9 consecutive bases within chr4:87,615,678-87,615,703 gives the same sequence; the position shown is the placement nearest the transcript's 3' end. VCF-style (leftmost placement, unchanged base first): chr4-87615677-TAGCAGTGAC-T. GRCh37 (hg19) VCF-style: chr4-88536829-TAGCAGTGAC-T.
Identifiers: ClinVar variation 445476 (VCV000445476.29), dbSNP rs762157486, ClinGen allele CA3001365.

ClinVar aggregate classification (germline): Conflicting classifications of pathogenicity. Review status: criteria provided, conflicting classifications (1 of 4 stars). 5 submissions from 5 submitters: Uncertain significance (2); Likely benign (1). 2 of the submissions do not count toward it. Last evaluated 2026-03-01.

Submissions (5):

CeGaT Center for Human Genetics Tuebingen
Classification: Likely benign. Last evaluated: 2026-03-01. Review status: criteria provided, single submitter. Criteria: CeGaT Center For Human Genetics Tuebingen Variant Classification Criteria Version 2. Collection method: clinical testing. Allele origin: germline. Affected: yes. Observed: 6 variant alleles.
Comment: DSPP: BS2

Center for Pediatric Genomic Medicine, Children's Mercy Hospital and Clinics
Classification: Uncertain significance. Last evaluated: 2017-06-22. Review status: criteria provided, single submitter. Criteria: ACMG Guidelines, 2015. Collection method: clinical testing. Allele origin: germline.

Breakthrough Genomics
Classification: Uncertain significance. Review status: criteria provided, single submitter. Criteria: ACMG Guidelines, 2015. Collection method: not provided. Allele origin: germline. Inheritance: Autosomal dominant inheritance. Affected: yes.

Clinical Genetics DNA and cytogenetics Diagnostics Lab, Erasmus MC, Erasmus Medical Center
Classification: Uncertain significance. Review status: no assertion criteria provided. Collection method: clinical testing. Allele origin: germline. Affected: yes. Study: VKGL Data-share Consensus. Not counted in ClinVar's aggregate classification.

Laboratory of Diagnostic Genome Analysis, Leiden University Medical Center (LUMC)
Classification: Uncertain significance. Review status: no assertion criteria provided. Collection method: clinical testing. Allele origin: germline. Affected: yes. Study: VKGL Data-share Consensus. Not counted in ClinVar's aggregate classification.